The following is an entry in ClinVar:

ClinVar aggregate classification (germline): Uncertain significance. Review status: criteria provided, multiple submitters, no conflicts (2 of 4 stars). 2 submissions from 2 submitters: Uncertain significance (2). Last evaluated 2025-02-09.

Conditions:
RASopathy. Also called: rasopathies; Noonan spectrum disorder. Identifiers: Orphanet 536391, MedGen C5555857, MONDO:0021060.

Allele frequency attached by ClinVar (database versions not stated): gnomAD exomes below 0.00001; ExAC 0.00001; TOPMed 0.00001; ESP Exome Variant Server 0.00008.

Submissions (2):

Labcorp Genetics (formerly Invitae), Labcorp
Classification: Uncertain significance for RASopathy. Last evaluated: 2025-02-09. Review status: criteria provided, single submitter. Criteria: Invitae Variant Classification Sherloc (09022015). Collection method: clinical testing. Allele origin: germline.
Comment: This sequence change replaces proline, which is neutral and non-polar, with leucine, which is neutral and non-polar, at codon 764 of the BRAF protein (p.Pro764Leu). This variant is not present in population databases (gnomAD no frequency). This variant has not been reported in the literature in individuals affected with BRAF-related conditions. ClinVar contains an entry for this variant (Variation ID: 1697101). Invitae Evidence Modeling of protein sequence and biophysical properties (such as structural, functional, and spatial information, amino acid conservation, physicochemical variation, residue mobility, and thermodynamic stability) indicates that this missense variant is expected to disrupt BRAF protein function with a positive predictive value of 95%. In summary, the available evidence is currently insufficient to determine the role of this variant in disease. Therefore, it has been classified as a Variant of Uncertain Significance.

GeneDx
Classification: Uncertain significance. Last evaluated: 2022-01-12. Review status: criteria provided, single submitter. Criteria: GeneDx Variant Classification Process June 2021. Collection method: clinical testing. Allele origin: germline. Affected: yes.
Comment: Missense variants in this gene are often considered pathogenic (HGMD); In silico analysis supports that this missense variant has a deleterious effect on protein structure/function; Has not been previously reported in association with a BRAF-related disorder; This variant is associated with the following publications: (PMID: 22824468)

NM_004333.6(BRAF):c.2291C>T (p.Pro764Leu)

Gene: BRAF (B-Raf proto-oncogene, serine/threonine kinase; minus strand). Cytogenetic location: 7q34.
Variant type: single nucleotide variant.
Coding change: c.2291C>T on transcript NM_004333.6 (MANE Select); coding-DNA position 2291, C replaced by T.
Protein change: p.Pro764Leu; replaces proline 764 with leucine.
Molecular consequence: missense variant. On other transcripts: intron variant (9).
Genome position (GRCh38, 1-based): chr7:140,734,607, G>A on the plus strand (C>T on the coding strand, the complement: BRAF is on the minus strand). VCF-style: chr7-140734607-G-A. GRCh37 (hg19) VCF-style: chr7-140434407-G-A.
Other names: c.2411C>T, p.Pro804Leu (NM_001374244.1); c.2225C>T, p.Pro742Leu (NM_001378469.1); c.2135C>T, p.Pro712Leu (NM_001378473.1); c.2127+5205C>T (NM_001378474.1, NM_001378468.1); c.2179+10C>T (NM_001378470.1); c.2017+10C>T (NM_001378475.1); c.2170+10C>T (NM_001378471.1); c.2281+10C>T (NM_001354609.2); and 3 more; short protein forms P712L, P742L, P764L, P804L.
Identifiers: ClinVar variation 1697101 (VCV001697101.7), dbSNP rs139420557, ClinGen allele CA4516513.